The following is an entry in ClinVar:

NM_000393.5(COL5A2):c.3092C>A (p.Pro1031His)

Gene: COL5A2 (collagen type V alpha 2 chain; minus strand). Cytogenetic location: 2q32.2.
Variant type: single nucleotide variant.
Coding change: c.3092C>A on transcript NM_000393.5 (MANE Select); coding-DNA position 3092, C replaced by A.
Protein change: p.Pro1031His; replaces proline 1031 with histidine.
Molecular consequence: missense variant.
Genome position (GRCh38, 1-based): chr2:189,049,402, G>T on the plus strand (C>A on the coding strand, the complement: COL5A2 is on the minus strand). VCF-style: chr2-189049402-G-T. GRCh37 (hg19) VCF-style: chr2-189914128-G-T.
Other names: short protein forms P1031H.
Identifiers: ClinVar variation 4741417 (VCV004741417.1).

ClinVar aggregate classification (germline): Uncertain significance (1 of 4 stars; one submission).

Conditions:
Ehlers-Danlos syndrome, classic type, 1 (EDSCL1). Also called: EHLERS-DANLOS SYNDROME, GRAVIS TYPE; EHLERS-DANLOS SYNDROME, SEVERE CLASSIC TYPE; Ehlers-Danlos syndrome, type 1; Ehlers-Danlos Syndrome, Classic Type, COL5A1-Related; EDS I. Identifiers: MedGen C0268335, MONDO:0019567, OMIM 130000.

Submission:

Labcorp Genetics (formerly Invitae), Labcorp
Classification: Uncertain significance for Ehlers-Danlos syndrome, classic type, 1. Last evaluated: 2025-12-13. Review status: criteria provided, single submitter. Criteria: Invitae Variant Classification Sherloc (09022015). Collection method: clinical testing. Allele origin: germline.
Comment: This sequence change replaces proline, which is neutral and non-polar, with histidine, which is basic and polar, at codon 1031 of the COL5A2 protein (p.Pro1031His). This variant is not present in population databases (gnomAD no frequency). This variant has not been reported in the literature in individuals affected with COL5A2-related conditions. Invitae Evidence Modeling of protein sequence and biophysical properties (such as structural, functional, and spatial information, amino acid conservation, physicochemical variation, residue mobility, and thermodynamic stability) indicates that this missense variant is not expected to disrupt COL5A2 protein function with a negative predictive value of 80%. In summary, the available evidence is currently insufficient to determine the role of this variant in disease. Therefore, it has been classified as a Variant of Uncertain Significance.